The following is an entry in ClinVar:

ClinVar aggregate classification (germline): Uncertain significance (1 of 4 stars; one submission).

Allele frequency attached by ClinVar (database versions not stated): TOPMed below 0.00001.
gnomAD v4.1: 2 of 1,613,910 alleles (0.00012%); highest among the groups gnomAD compares: Admixed American, 0.0033%; no homozygotes.

Submission:

Ambry Genetics
Classification: Uncertain significance. Last evaluated: 2022-01-21. Review status: criteria provided, single submitter. Criteria: Ambry Variant Classification Scheme 2023. Collection method: clinical testing. Allele origin: germline.
Comment: The p.A2282V variant (also known as c.6845C>T), located in coding exon 51 of the PRKDC gene, results from a C to T substitution at nucleotide position 6845. The alanine at codon 2282 is replaced by valine, an amino acid with similar properties. This amino acid position is conserved. Since supporting evidence is limited at this time, the clinical significance of this alteration remains unclear.

NM_006904.7(PRKDC):c.6845C>T (p.Ala2282Val)

Gene: PRKDC (protein kinase, DNA-activated, catalytic subunit; minus strand). Cytogenetic location: 8q11.21.
Variant type: single nucleotide variant.
Coding change: c.6845C>T on transcript NM_006904.7 (MANE Select); coding-DNA position 6845, C replaced by T.
Protein change: p.Ala2282Val; replaces alanine 2282 with valine.
Molecular consequence: missense variant.
Genome position (GRCh38, 1-based): chr8:47,854,131, G>A on the plus strand (C>T on the coding strand, the complement: PRKDC is on the minus strand). VCF-style: chr8-47854131-G-A. GRCh37 (hg19) VCF-style: chr8-48766692-G-A.
Other names: c.6845C>T, p.Ala2282Val (NM_001081640.2); short protein forms A2282V.
Identifiers: ClinVar variation 1755754 (VCV001755754.2), dbSNP rs777234577, ClinGen allele CA371158456.